The following is an entry in ClinVar:

ClinVar aggregate classification (germline): Pathogenic/Likely pathogenic. Review status: criteria provided, multiple submitters, no conflicts (2 of 4 stars). 5 submissions from 5 submitters: Pathogenic (3); Likely pathogenic (1). 1 of the submissions does not count toward it. Last evaluated 2025-10-28.

Conditions:
MYO7A-related disorder. Also called: MYO7A-related disorders.
Autosomal recessive nonsyndromic hearing loss 2. Also called: NEUROSENSORY NONSYNDROMIC RECESSIVE DEAFNESS 2; DEAFNESS, AUTOSOMAL RECESSIVE 2. Identifiers: Orphanet 90636, MedGen C1838701, MONDO:0010807, OMIM 600060.
Usher syndrome type 1 (USH1). Also called: RETINITIS PIGMENTOSA AND CONGENITAL DEAFNESS. Identifiers: Orphanet 231169, Orphanet 886, MedGen C1568247, MONDO:0010168, OMIM 276900.
Usher syndrome type 1B (USH1B). Also called: Usher syndrome type IB. Identifiers: MedGen C1848638, MONDO:0700087.

Allele frequency attached by ClinVar (database versions not stated): gnomAD exomes below 0.00001; gnomAD 0.00001; TOPMed 0.00003.
gnomAD v4.1: 3 of 1,599,736 alleles (0.00019%); highest among the groups gnomAD compares: Admixed American, 0.0017%; no homozygotes.

Submissions (5):

Natera, Inc.
Classification: Pathogenic for Usher syndrome type 1B. Last evaluated: 2025-10-28. Review status: criteria provided, single submitter. Criteria: Natera Variant Classification Schema (03/2026). Collection method: clinical testing. Allele origin: germline.
Comment: The c.5856G>A variant in MYO7A is a synonymous variant that does not alter the encoded amino acid at position 1952 (p.K1952=). This variant is rare in the general population with a frequency below the threshold expected for the associated phenotype(s). This variant has been observed in one or more individuals affected with the associated recessive disease, as either homozygous or compound heterozygous with a second variant (PMID: 33576163). This variant has been observed to segregate in affected family members (PMID: 33576163). Functional studies show that this variant may disrupt protein function (PMID: 20497194). Computational prediction algorithms indicate this variant is likely to affect gene or protein function. Given the available evidence, this variant is classified as Pathogenic.

Labcorp Genetics (formerly Invitae), Labcorp
Classification: Pathogenic. Last evaluated: 2025-07-31. Review status: criteria provided, single submitter. Criteria: Invitae Variant Classification Sherloc (09022015). Collection method: clinical testing. Allele origin: germline.
Comment: This sequence change affects codon 1952 of the MYO7A mRNA. It is a 'silent' change, meaning that it does not change the encoded amino acid sequence of the MYO7A protein. RNA analysis indicates that this variant induces altered splicing and likely results in a shortened protein product. This variant is not present in population databases (gnomAD no frequency). This variant has been observed in individual(s) with Usher syndrome (PMID: 16470552, 20497194). In at least one individual the data is consistent with being in trans (on the opposite chromosome) from a pathogenic variant. It has also been observed to segregate with disease in related individuals. ClinVar contains an entry for this variant (Variation ID: 556557). Variants that disrupt the consensus splice site are a relatively common cause of aberrant splicing (PMID: 17576681, 9536098). Studies have shown that this variant results in skipping of exon 42, but is expected to preserve the integrity of the reading-frame (PMID: 20497194). For these reasons, this variant has been classified as Pathogenic.

Blueprint Genetics
Classification: Pathogenic for MYO7A-related disorders. Last evaluated: 2021-11-30. Review status: criteria provided, single submitter. Criteria: ACMG Guidelines, 2015. Collection method: clinical testing. Allele origin: germline. Affected: yes. Observed: 1 variant allele.

GeneDx
Classification: Likely pathogenic. Last evaluated: 2020-07-01. Review status: criteria provided, single submitter. Criteria: GeneDx Variant Classification Process June 2021. Collection method: clinical testing. Allele origin: germline. Affected: yes.
Comment: Published functional studies suggest a damaging effect due to "skipping" of exon 42 (Aparisi et al., 2013); This variant is associated with the following publications: (PMID: 16470552, 20497194, 25525159, 23451239, 33576163)

Counsyl
Classification: Likely pathogenic for Usher syndrome type 1; Autosomal recessive nonsyndromic hearing loss 2. Last evaluated: 2018-02-06. Review status: no assertion criteria provided. Collection method: clinical testing. Allele origin: unknown. Not counted in ClinVar's aggregate classification.

Literature cited by the submitters: PubMed 33576163 (cited by Natera, Inc.); PubMed 20497194 (cited by 3 submitters); PubMed 16470552 (cited by Labcorp Genetics (formerly Invitae), Labcorp and Counsyl); PubMed 17576681 (cited by Labcorp Genetics (formerly Invitae), Labcorp); PubMed 9536098 (cited by Labcorp Genetics (formerly Invitae), Labcorp); PubMed 24997346 (cited by Counsyl); PubMed 23451239 (cited by Counsyl).

NM_000260.4(MYO7A):c.5856G>A (p.Lys1952=)

Gene: MYO7A (myosin VIIA; plus strand). Cytogenetic location: 11q13.5.
Variant type: single nucleotide variant.
Coding change: c.5856G>A on transcript NM_000260.4 (MANE Select); coding-DNA position 5856, G replaced by A.
Protein change: p.Lys1952=; no amino-acid change (lysine 1952 retained).
Molecular consequence: synonymous variant.
Genome position (GRCh38, 1-based): chr11:77,207,402, G>A. VCF-style: chr11-77207402-G-A. GRCh37 (hg19) VCF-style: chr11-76918447-G-A.
Other names: c.5742G>A, p.Lys1914= (NM_001127180.2); c.5709G>A, p.Lys1903= (NM_001369365.1).
Identifiers: ClinVar variation 556557 (VCV000556557.13), dbSNP rs1453053718, ClinGen allele CA475797351.